The following is an entry in ClinVar:

NM_005632.3(CAPN15):c.2661G>A (p.Glu887=)

Gene: CAPN15 (calpain 15; plus strand). Cytogenetic location: 16p13.3.
Variant type: single nucleotide variant.
Coding change: c.2661G>A on transcript NM_005632.3 (MANE Select); coding-DNA position 2661, G replaced by A.
Protein change: p.Glu887=; no amino-acid change (glutamic acid 887 retained).
Molecular consequence: synonymous variant.
Genome position (GRCh38, 1-based): chr16:552,454, G>A. VCF-style: chr16-552454-G-A. GRCh37 (hg19) VCF-style: chr16-602454-G-A.
Identifiers: ClinVar variation 2645816 (VCV002645816.24), dbSNP rs143688598, ClinGen allele CA7778869.

ClinVar aggregate classification (germline): Likely benign (1 of 4 stars; one submission).

Allele frequency attached by ClinVar (database versions not stated): gnomAD exomes 0.00001; ExAC 0.00002; gnomAD 0.00004; TOPMed 0.00004; ESP Exome Variant Server 0.00008.
gnomAD v4.1: 20 of 1,609,872 alleles (0.0012%); highest among the groups gnomAD compares: Middle Eastern, 0.016%; no homozygotes.

Submission:

CeGaT Center for Human Genetics Tuebingen
Classification: Likely benign. Last evaluated: 2022-04-01. Review status: criteria provided, single submitter. Criteria: CeGaT Center For Human Genetics Tuebingen Variant Classification Criteria Version 2. Collection method: clinical testing. Allele origin: germline. Affected: yes. Observed: 1 variant allele.
Comment: CAPN15: BP4, BP7